The following is an entry in ClinVar:

NM_000051.4(ATM):c.2064A>G (p.Glu688=)

Gene: ATM (ATM serine/threonine kinase; plus strand). Cytogenetic location: 11q22.3.
Variant type: single nucleotide variant.
Coding change: c.2064A>G on transcript NM_000051.4 (MANE Select); coding-DNA position 2064, A replaced by G.
Protein change: p.Glu688=; no amino-acid change (glutamic acid 688 retained).
Molecular consequence: synonymous variant.
Genome position (GRCh38, 1-based): chr11:108,253,979, A>G. VCF-style: chr11-108253979-A-G. GRCh37 (hg19) VCF-style: chr11-108124706-A-G.
Other names: c.2064A>G, p.Glu688= (NM_001351834.2).
Identifiers: ClinVar variation 184571 (VCV000184571.20), dbSNP rs772739433, ClinGen allele CA189331.

ClinVar aggregate classification (germline): Conflicting classifications of pathogenicity. Review status: criteria provided, conflicting classifications (1 of 4 stars). 6 submissions from 6 submitters: Uncertain significance (1); Benign (1); Likely benign (4). Last evaluated 2025-10-07.

Conditions:
ATM-related cancer predisposition. Also called: ATM-related cancer susceptibility. Identifiers: MedGen CN377759, MONDO:0700270.
Hereditary cancer-predisposing syndrome. Also called: Hereditary Cancer Syndrome; Neoplastic Syndromes, Hereditary; Tumor predisposition; Hereditary neoplastic syndrome. Identifiers: Orphanet 140162, MedGen C0027672, MeSH D009386, MONDO:0015356.
Familial cancer of breast. Also called: BREAST CANCER, FAMILIAL; hereditary breast carcinoma; Hereditary breast cancer. Identifiers: Orphanet 227535, MedGen C0346153, MONDO:0016419, OMIM 114480. Disease mechanism: loss of function.
Ataxia-telangiectasia syndrome (AT). Also called: ATAXIA-TELANGIECTASIA, COMPLEMENTATION GROUP A; ATAXIA-TELANGIECTASIA, FRESNO VARIANT; Ataxia-telangiectasia; LOUIS-BAR SYNDROME; Ataxia telangiectasia (A-T); Ataxia-telangiectasia, complementation group D. Identifiers: Orphanet 100, MedGen C0004135, MONDO:0008840, OMIM 208900.

Allele frequency attached by ClinVar (database versions not stated): ExAC 0.00001; gnomAD exomes 0.00001 and below 0.00001; TOPMed 0.00002.
gnomAD v4.1: 6 of 1,614,076 alleles (0.00037%); highest among the groups gnomAD compares: Non-Finnish European, 0.00051%; no homozygotes.

Submissions (6):

Labcorp Genetics (formerly Invitae), Labcorp
Classification: Likely benign for Ataxia-telangiectasia syndrome. Last evaluated: 2025-10-07. Review status: criteria provided, single submitter. Criteria: Invitae Variant Classification Sherloc (09022015). Collection method: clinical testing. Allele origin: germline.

Myriad Genetics, Inc.
Classification: Benign for Familial cancer of breast. Last evaluated: 2024-05-07. Review status: criteria provided, single submitter. Criteria: Myriad Autosomal Dominant, Autosomal Recessive and X-Linked Classification Criteria (2023). Collection method: clinical testing. Allele origin: unknown.
Comment: This variant is considered benign. This variant is a silent/synonymous amino acid change and it is not expected to impact splicing.

Department of Pathology and Laboratory Medicine, Sinai Health System
Classification: Uncertain significance for ATM-related cancer predisposition. Last evaluated: 2023-11-09. Review status: criteria provided, single submitter. Criteria: ACMG Guidelines, 2015. Collection method: clinical testing. Allele origin: germline. Affected: no.

Color Diagnostics, LLC DBA Color Health
Classification: Likely benign for Hereditary cancer-predisposing syndrome. Last evaluated: 2017-11-26. Review status: criteria provided, single submitter. Criteria: ACMG Guidelines, 2015. Collection method: clinical testing. Allele origin: germline.

GeneDx
Classification: Likely benign. Last evaluated: 2017-08-30. Review status: criteria provided, single submitter. Criteria: GeneDx Variant Classification (06012015). Collection method: clinical testing. Allele origin: germline. Affected: yes.
Comment: This variant is considered likely benign or benign based on one or more of the following criteria: it is a conservative change, it occurs at a poorly conserved position in the protein, it is predicted to be benign by multiple in silico algorithms, and/or has population frequency not consistent with disease.

Ambry Genetics
Classification: Likely benign for Hereditary cancer-predisposing syndrome. Last evaluated: 2015-02-05. Review status: criteria provided, single submitter. Criteria: Ambry Variant Classification Scheme 2023. Collection method: clinical testing. Allele origin: germline.